The following is an entry in ClinVar:

ClinVar aggregate classification (germline): Pathogenic (1 of 4 stars; one submission).

Conditions:
Cystinuria (CSNU). Also called: CYSTINURIA, TYPE I; CYSTINURIA, TYPE II; CYSTINURIA, TYPE III; Cystinuria, non-type I. Identifiers: Orphanet 214, MedGen C0010691, MONDO:0009067, OMIM 220100, HP:0003131.

Submission:

Labcorp Genetics (formerly Invitae), Labcorp
Classification: Pathogenic for Cystinuria. Last evaluated: 2023-08-27. Review status: criteria provided, single submitter. Criteria: Invitae Variant Classification Sherloc (09022015). Collection method: clinical testing. Allele origin: unknown.
Comment: For these reasons, this variant has been classified as Pathogenic. A similar copy number variant has been observed in individual(s) with cystinuria (PMID: 9648062). This variant is a gross deletion of the genomic region encompassing exon(s) 1-7 of the SLC3A1 gene, which includes the initiator codon. This deletion extends beyond the assayed region for this gene and therefore may encompass additional genes. It is expected to result in an absent or disrupted protein product. Loss-of-function variants in SLC3A1 are known to be pathogenic (PMID: 24610330, 25109415, 25964309).

Literature cited by the submitters: PubMed 9648062; PubMed 24610330; PubMed 25109415; PubMed 25964309.

NC_000002.11:g.(?_44502646)_(44531497_?)del

Gene: SLC3A1 (solute carrier family 3 member 1; plus strand). Cytogenetic location: 2p21.
Variant type: Deletion.
Identifiers: ClinVar variation 3247122 (VCV003247122.1).